The following is an entry in ClinVar:

NM_001270508.2(TNFAIP3):c.502T>C (p.Trp168Arg)

Genes: TNFAIP3 (TNF alpha induced protein 3; plus strand), LOC126859807 (MED14-independent group 3 enhancer GRCh37_chr6:138196296-138197495; plus strand). Cytogenetic location: 6q23.3.
Variant type: single nucleotide variant.
Coding change: c.502T>C on transcript NM_001270508.2 (MANE Select); coding-DNA position 502, T replaced by C.
Protein change: p.Trp168Arg; replaces tryptophan 168 with arginine.
Molecular consequence: missense variant.
Genome position (GRCh38, 1-based): chr6:137,875,703, T>C. VCF-style: chr6-137875703-T-C. GRCh37 (hg19) VCF-style: chr6-138196840-T-C.
Other names: c.502T>C, p.Trp168Arg (NM_006290.4, NM_001270507.2); short protein forms W168R.
Identifiers: ClinVar variation 3646029 (VCV003646029.2).

ClinVar aggregate classification (germline): Uncertain significance (1 of 4 stars; one submission).

Submission:

Labcorp Genetics (formerly Invitae), Labcorp
Classification: Uncertain significance. Last evaluated: 2024-03-14. Review status: criteria provided, single submitter. Criteria: Invitae Variant Classification Sherloc (09022015). Collection method: clinical testing. Allele origin: germline.
Comment: This sequence change replaces tryptophan, which is neutral and slightly polar, with arginine, which is basic and polar, at codon 168 of the TNFAIP3 protein (p.Trp168Arg). This variant is not present in population databases (gnomAD no frequency). This variant has not been reported in the literature in individuals affected with TNFAIP3-related conditions. Advanced modeling of protein sequence and biophysical properties (such as structural, functional, and spatial information, amino acid conservation, physicochemical variation, residue mobility, and thermodynamic stability) performed at Invitae indicates that this missense variant is expected to disrupt TNFAIP3 protein function with a positive predictive value of 80%. In summary, the available evidence is currently insufficient to determine the role of this variant in disease. Therefore, it has been classified as a Variant of Uncertain Significance.